The following is an entry in ClinVar:

ClinVar aggregate classification (germline): Benign. Review status: criteria provided, multiple submitters, no conflicts (2 of 4 stars). 8 submissions from 8 submitters: Benign (8). Last evaluated 2026-01-27.

Conditions:
Hereditary spastic paraplegia. Also called: Familial spastic paraparesis. Identifiers: Orphanet 685, MedGen C0037773, MONDO:0019064. Disease mechanism: loss of function.
Spastic paraplegia. Identifiers: MedGen C0037772, HP:0001258.
Hereditary spastic paraplegia 13 (SPG13). Also called: Spastic paraplegia 13; SPASTIC PARAPLEGIA 13, AUTOSOMAL DOMINANT. Identifiers: Orphanet 100994, MedGen C1854467, MONDO:0011532, OMIM 605280.

Allele frequency attached by ClinVar (database versions not stated): gnomAD exomes 0.00595; ExAC 0.00766; 1000 Genomes Project 0.02476; TOPMed 0.02595; 1000 Genomes Project 30x 0.02639; ESP Exome Variant Server 0.02676.
gnomAD v4.1: 6,871 of 1,613,872 alleles (0.43%); highest among the groups gnomAD compares: African/African-American, 8.1%; 199 homozygotes.

Submissions (8):

Labcorp Genetics (formerly Invitae), Labcorp
Classification: Benign for Spastic paraplegia. Last evaluated: 2026-01-27. Review status: criteria provided, single submitter. Criteria: Invitae Variant Classification Sherloc (09022015). Collection method: clinical testing. Allele origin: germline.

Athena Diagnostics
Classification: Benign. Last evaluated: 2024-04-10. Review status: criteria provided, single submitter. Criteria: Athena Diagnostics Criteria. Collection method: clinical testing. Allele origin: unknown.

ARUP Laboratories, Molecular Genetics and Genomics, ARUP Laboratories
Classification: Benign. Last evaluated: 2023-09-22. Review status: criteria provided, single submitter. Criteria: ARUP Molecular Germline Variant Investigation Process 2024. Collection method: clinical testing. Allele origin: germline.

Mayo Clinic Laboratories, Mayo Clinic
Classification: Benign. Last evaluated: 2023-06-26. Review status: criteria provided, single submitter. Criteria: ACMG Guidelines, 2015. Collection method: clinical testing. Allele origin: germline. Observed: 24 variant alleles.

Genome Diagnostics Laboratory, The Hospital for Sick Children
Classification: Benign for Hereditary spastic paraplegia. Last evaluated: 2021-06-13. Review status: criteria provided, single submitter. Criteria: ACMG Guidelines, 2015. Collection method: clinical testing. Allele origin: germline. Affected: yes.

Illumina Laboratory Services, Illumina
Classification: Benign for Hereditary spastic paraplegia 13. Last evaluated: 2018-01-12. Review status: criteria provided, single submitter. Criteria: ICSL Variant Classification Criteria 13 December 2019. Collection method: clinical testing. Allele origin: germline.
Comment: This variant was observed in the ICSL laboratory as part of a predisposition screen in an ostensibly healthy population. It had not been previously curated by ICSL or reported in the Human Gene Mutation Database (HGMD: prior to June 1st, 2018), and was therefore a candidate for classification through an automated scoring system. Utilizing variant allele frequency, disease prevalence and penetrance estimates, and inheritance mode, an automated score was calculated to assess if this variant is too frequent to cause the disease. Based on the score and internal cut-off values, a variant classified as benign is not then subjected to further curation. The score for this variant resulted in a classification of benign for this disease.

GeneDx
Classification: Benign. Last evaluated: 2014-02-04. Review status: criteria provided, single submitter. Criteria: GeneDx Variant Classification (06012015). Collection method: clinical testing. Allele origin: germline. Affected: yes.
Comment: This variant is considered likely benign or benign based on one or more of the following criteria: it is a conservative change, it occurs at a poorly conserved position in the protein, it is predicted to be benign by multiple in silico algorithms, and/or has population frequency not consistent with disease.

Breakthrough Genomics
Classification: Benign. Review status: criteria provided, single submitter. Criteria: ACMG Guidelines, 2015. Collection method: not provided. Allele origin: germline. Inheritance: Autosomal recessive inheritance. Affected: yes.

NM_002156.5(HSPD1):c.144C>T (p.Ala48=)

Gene: HSPD1 (heat shock protein family D (Hsp60) member 1; minus strand). Cytogenetic location: 2q33.1.
Variant type: single nucleotide variant.
Coding change: c.144C>T on transcript NM_002156.5 (MANE Select); coding-DNA position 144, C replaced by T.
Protein change: p.Ala48=; no amino-acid change (alanine 48 retained).
Molecular consequence: synonymous variant.
Genome position (GRCh38, 1-based): chr2:197,498,705, G>A on the plus strand (C>T on the coding strand, the complement: HSPD1 is on the minus strand). VCF-style: chr2-197498705-G-A. GRCh37 (hg19) VCF-style: chr2-198363429-G-A.
Other names: p.A48A:GCC>GCT; p.Ala48=; c.144C>T, p.Ala48= (NM_199440.2).
Identifiers: ClinVar variation 137565 (VCV000137565.64), dbSNP rs11551346, ClinGen allele CA291199.